The following is an entry in ClinVar:

NM_000257.4(MYH7):c.4506del (p.Asn1502fs)

Genes: MHRT (myosin heavy chain associated RNA transcript; plus strand), MYH7 (myosin heavy chain 7; minus strand). Cytogenetic location: 14q11.2.
Variant type: Deletion.
Coding change: c.4506del on transcript NM_000257.4 (MANE Select); coding-DNA position 4506, one base deleted (C; older notation c.4506delC).
Protein change: p.Asn1502fs; shifts the reading frame from asparagine 1502.
Molecular consequence: frameshift variant.
Genome position (GRCh38, 1-based): chr14:23,417,166, G deleted on the plus strand (C on the coding strand, the reverse complement: MYH7 is on the minus strand). VCF-style (leftmost placement, unchanged base first): chr14-23417165-TG-T. GRCh37 (hg19) VCF-style: chr14-23886374-TG-T.
Other names: short protein forms N1502fs.
Identifiers: ClinVar variation 1501597 (VCV001501597.6), dbSNP rs2138645134, ClinGen allele CA2573149775.

ClinVar aggregate classification (germline): Uncertain significance (1 of 4 stars; one submission).

Conditions:
Hypertrophic cardiomyopathy. Also called: HYPERTROPHIC MYOCARDIOPATHY. Identifiers: Orphanet 217569, MedGen C0007194, MeSH D002312, MONDO:0005045, HP:0001639.

Submission:

Labcorp Genetics (formerly Invitae), Labcorp
Classification: Uncertain significance for Hypertrophic cardiomyopathy. Last evaluated: 2020-11-19. Review status: criteria provided, single submitter. Criteria: Invitae Variant Classification Sherloc (09022015). Collection method: clinical testing. Allele origin: germline.
Comment: This sequence change creates a premature translational stop signal (p.Asn1502Lysfs*11) in the MYH7 gene. It is expected to result in an absent or disrupted protein product. However, the current clinical and genetic evidence is not sufficient to establish whether loss-of-function variants in MYH7 cause disease. In summary, the available evidence is currently insufficient to determine the role of this variant in disease. Therefore, it has been classified as a Variant of Uncertain Significance. This variant has not been reported in the literature in individuals with MYH7-related conditions. This variant is not present in population databases (ExAC no frequency).